The following is an entry in ClinVar:

NM_001258392.3(CLPB):c.1847G>C (p.Gly616Ala)

Gene: CLPB (ClpB family mitochondrial disaggregase; minus strand). Cytogenetic location: 11q13.4.
Variant type: single nucleotide variant.
Coding change: c.1847G>C on transcript NM_001258392.3 (MANE Select); coding-DNA position 1847, G replaced by C.
Protein change: p.Gly616Ala; replaces glycine 616 with alanine.
Molecular consequence: missense variant.
Genome position (GRCh38, 1-based): chr11:72,293,554, C>G on the plus strand (G>C on the coding strand, the complement: CLPB is on the minus strand). VCF-style: chr11-72293554-C-G. GRCh37 (hg19) VCF-style: chr11-72004598-C-G.
Other names: c.1760G>C, p.Gly587Ala (NM_001258393.3); c.1802G>C, p.Gly601Ala (NM_001258394.3); c.1937G>C, p.Gly646Ala (NM_030813.6); short protein forms G616A, G646A, G587A, G601A.
Identifiers: ClinVar variation 1476720 (VCV001476720.8), dbSNP rs759500860, ClinGen allele CA381724604.

ClinVar aggregate classification (germline): Uncertain significance (1 of 4 stars; one submission).

Conditions:
3-methylglutaconic aciduria, type VIIB (MGCA7B). Also called: CLPB Deficiency; 3-methylglutaconic aciduria with cataracts, neurologic involvement and neutropenia; 3-methylglutaconic aciduria, type VII, with cataracts, neurologic involvement and neutropenia. Identifiers: Orphanet 445038, MedGen C5676893, MONDO:0014561, OMIM 616271.

Submission:

Labcorp Genetics (formerly Invitae), Labcorp
Classification: Uncertain significance for 3-methylglutaconic aciduria, type VIIB. Last evaluated: 2021-03-27. Review status: criteria provided, single submitter. Criteria: Invitae Variant Classification Sherloc (09022015). Collection method: clinical testing. Allele origin: germline.
Comment: In summary, the available evidence is currently insufficient to determine the role of this variant in disease. Therefore, it has been classified as a Variant of Uncertain Significance. Algorithms developed to predict the effect of missense changes on protein structure and function are either unavailable or do not agree on the potential impact of this missense change (SIFT: "Tolerated"; PolyPhen-2: "Probably Damaging"; Align-GVGD: "Class C0"). This variant has not been reported in the literature in individuals with CLPB-related conditions. This variant is not present in population databases (ExAC no frequency). This sequence change replaces glycine with alanine at codon 646 of the CLPB protein (p.Gly646Ala). The glycine residue is highly conserved and there is a small physicochemical difference between glycine and alanine.